The following is an entry in ClinVar:

NM_000238.4(KCNH2):c.3350G>T (p.Cys1117Phe)

Gene: KCNH2 (potassium voltage-gated channel subfamily H member 2; minus strand). Cytogenetic location: 7q36.1.
Variant type: single nucleotide variant.
Coding change: c.3350G>T on transcript NM_000238.4 (MANE Select); coding-DNA position 3350, G replaced by T.
Protein change: p.Cys1117Phe; replaces cysteine 1117 with phenylalanine.
Molecular consequence: missense variant.
Genome position (GRCh38, 1-based): chr7:150,945,495, C>A on the plus strand (G>T on the coding strand, the complement: KCNH2 is on the minus strand). VCF-style: chr7-150945495-C-A. GRCh37 (hg19) VCF-style: chr7-150642583-C-A.
Other names: c.2330G>T, p.Cys777Phe (NM_172057.3); short protein forms C777F, C1117F.
Identifiers: ClinVar variation 582288 (VCV000582288.9), dbSNP rs730880119, ClinGen allele CA369851591.
Genomic context (GRCh38, chr7:150,945,495, plus strand): 5'-GAGAGGCGTCGTGTGGGGCCTTCTTGGGGAAGCTCTGGGGCCCCCGGGGGCAGCTCCTCA[C>A]ACGCCATGAACTGGGAAACCTGCAATACACACAGAGCATGGGCAGGCGAAGAGGCCATGG-3'
Protein context (NP_000229.1, residues 1107-1127): SLSQVSQFMA[Cys1117Phe]EELPPGAPEL

ClinVar aggregate classification (germline): Uncertain significance (1 of 4 stars; one submission).

Conditions:
Long QT syndrome (LQTS). Identifiers: MedGen C0023976, MeSH D008133, MONDO:0002442. Disease mechanism: loss of function. Inheritance: Various modes of inheritance.

Submission:

Labcorp Genetics (formerly Invitae), Labcorp
Classification: Uncertain significance for Long QT syndrome. Last evaluated: 2018-10-18. Review status: criteria provided, single submitter. Criteria: Invitae Variant Classification Sherloc (09022015). Collection method: clinical testing. Allele origin: germline.
Comment: In summary, the available evidence is currently insufficient to determine the role of this variant in disease. Therefore, it has been classified as a Variant of Uncertain Significance. This sequence change replaces cysteine with phenylalanine at codon 1117 of the KCNH2 protein (p.Cys1117Phe). The cysteine residue is weakly conserved and there is a large physicochemical difference between cysteine and phenylalanine. This variant is not present in population databases (ExAC no frequency). This variant has not been reported in the literature in individuals with KCNH2-related disease. Algorithms developed to predict the effect of missense changes on protein structure and function output the following: SIFT: "Tolerated"; PolyPhen-2: "Benign"; Align-GVGD: "Class C0". The phenylalanine amino acid residue is found in multiple mammalian species, suggesting that this missense change does not adversely affect protein function. These predictions have not been confirmed by published functional studies and their clinical significance is uncertain.